The following is an entry in ClinVar:

NM_001113378.2(FANCI):c.2302T>G (p.Phe768Val)

Gene: FANCI (FA complementation group I; plus strand). Cytogenetic location: 15q26.1.
Variant type: single nucleotide variant.
Coding change: c.2302T>G on transcript NM_001113378.2 (MANE Select); coding-DNA position 2302, T replaced by G.
Protein change: p.Phe768Val; replaces phenylalanine 768 with valine.
Molecular consequence: missense variant.
Genome position (GRCh38, 1-based): chr15:89,293,843, T>G. VCF-style: chr15-89293843-T-G. GRCh37 (hg19) VCF-style: chr15-89837074-T-G.
Other names: c.2023T>G, p.Phe675Val (NM_001376910.1); c.2302T>G, p.Phe768Val (NM_001376911.1, NM_018193.3); short protein forms F675V, F768V.
Identifiers: ClinVar variation 2840489 (VCV002840489.3), dbSNP rs2507439439, ClinGen allele CA393750011.

ClinVar aggregate classification (germline): Uncertain significance (1 of 4 stars; one submission).

Conditions:
Fanconi anemia (FA). Also called: Fanconi's anemia. Identifiers: Orphanet 84, MedGen C0015625, MeSH D005199, MONDO:0019391.

Submission:

Labcorp Genetics (formerly Invitae), Labcorp
Classification: Uncertain significance for Fanconi anemia. Last evaluated: 2023-02-24. Review status: criteria provided, single submitter. Criteria: Invitae Variant Classification Sherloc (09022015). Collection method: clinical testing. Allele origin: germline.
Comment: In summary, the available evidence is currently insufficient to determine the role of this variant in disease. Therefore, it has been classified as a Variant of Uncertain Significance. Advanced modeling of protein sequence and biophysical properties (such as structural, functional, and spatial information, amino acid conservation, physicochemical variation, residue mobility, and thermodynamic stability) performed at Invitae indicates that this missense variant is not expected to disrupt FANCI protein function. This variant has not been reported in the literature in individuals affected with FANCI-related conditions. This variant is not present in population databases (gnomAD no frequency). This sequence change replaces phenylalanine, which is neutral and non-polar, with valine, which is neutral and non-polar, at codon 768 of the FANCI protein (p.Phe768Val).